The following is an entry in ClinVar:

ClinVar aggregate classification (germline): Conflicting classifications of pathogenicity. Review status: criteria provided, conflicting classifications (1 of 4 stars). 61 submissions from 59 submitters: Pathogenic (45); Likely pathogenic (7); Uncertain significance (1). 8 of the submissions do not count toward it. Last evaluated 2026-09-01.

Conditions:
Fetal anomalies with a likely genetic cause.
BTD-related disorder. Also called: BTD-related condition.
Possible mitochondrial disorder - nuclear genes.
Inborn genetic diseases. Identifiers: MedGen C0950123, MeSH D030342.
Biotinidase deficiency. Also called: Biotin deficiency; BTD deficiency; Late-onset biotin-responsive multiple carboxylase deficiency. Identifiers: Orphanet 79241, MedGen C0220754, MONDO:0009665, OMIM 253260.
Optic neuropathy. Also called: Optic nerve disorder. Identifiers: MedGen C3887709, MONDO:0002135, HP:0001138.

Allele frequency attached by ClinVar (database versions not stated): ExAC 0.03166; gnomAD exomes 0.03225; 1000 Genomes Project 30x 0.01811; 1000 Genomes Project 0.01857; TOPMed 0.02561.
gnomAD v4.1: 61,497 of 1,614,178 alleles (3.8%); highest among the groups gnomAD compares: Non-Finnish European, 4.2%; 1,308 homozygotes.

Submissions 1 to 10 of 61:

CeGaT Center for Human Genetics Tuebingen
Classification: Pathogenic. Last evaluated: 2026-09-01. Review status: criteria provided, single submitter. Criteria: CeGaT Center For Human Genetics Tuebingen Variant Classification Criteria Version 2. Collection method: clinical testing. Allele origin: germline. Affected: yes. Observed: 78 variant alleles.
Comment: BTD: PM3:Very Strong, PS3, PM2:Supporting

Genetics Laboratory, Great Ormond Street Hospital NHS Foundation Trust, North Thames Genomic Laboratory Hub
Classification: Likely pathogenic for Optic neuropathy. Last evaluated: 2026-08-29. Review status: criteria provided, single submitter. Criteria: ACGS Best Practice Guidelines for Variant Classification in Rare Disease 2024 v1.2. Collection method: clinical testing. Allele origin: germline. Affected: yes.
Comment: PS4_moderate, PP3_supporting, PM5_supporting, PP4_moderate

Genetics Laboratory, Great Ormond Street Hospital NHS Foundation Trust, North Thames Genomic Laboratory Hub
Classification: Likely pathogenic for Possible mitochondrial disorder - nuclear genes. Last evaluated: 2026-07-31. Review status: criteria provided, single submitter. Criteria: ACGS Best Practice Guidelines for Variant Classification in Rare Disease 2024 v1.2. Collection method: clinical testing. Allele origin: germline. Affected: yes.
Comment: the same text as in the submission from Genetics Laboratory, Great Ormond Street Hospital NHS Foundation Trust, North Thames Genomic Laboratory Hub above.

PreventionGenetics, part of Exact Sciences
Classification: Pathogenic for BTD-related condition. Last evaluated: 2026-06-25. Review status: criteria provided, single submitter. Criteria: ACMG Guidelines, 2015. Collection method: clinical testing. Allele origin: germline.
Comment: The BTD c.1330G>C variant is predicted to result in the amino acid substitution p.Asp444His. This sequence variant has been commonly documented to be causative for partial biotinidase deficiency (e.g., Norrgard et al. 1998. PubMed ID: 10206677; Swango et al. 1998. PubMed ID: 9654207; Wolf. 2012. PubMed ID: 22241090). Individuals homozygous for the c.1330G>C variant without an additional pathogenic variant are typically found to have ~50% of normal biotinidase enzyme activity and are not usually clinically affected (Wolf. 2012. PubMed ID: 22241090). Individuals compound heterozygous for the c.1330G>C variant and a second variant that causes profound biotinidase deficiency are expected to exhibit ~20-25% of enzyme activity, classified as partial biotinidase deficiency (Wolf. 2012. PubMed ID: 22241090). This variant is reported in 5.6% of alleles in individuals of European (Finnish) descent in gnomAD. This variant is interpreted as pathogenic.

Institute of Human Genetics, University of Leipzig Medical Center
Classification: Pathogenic for Biotinidase deficiency. Last evaluated: 2026-05-18. Review status: criteria provided, single submitter. Criteria: ACMG Guidelines, 2015. Collection method: clinical testing. Allele origin: unknown. Inheritance: Autosomal recessive inheritance. Affected: yes.
Comment: Criteria applied: PM3_VSTR,PS3_SUP,PP3,PP4

OLLIN Analises Genomicas, OLLIN
Classification: Pathogenic for Biotinidase deficiency. Last evaluated: 2026-02-13. Review status: criteria provided, single submitter. Criteria: ACMG Guidelines 2015 PMID 25741868. Collection method: clinical testing. Allele origin: germline. Observed: 3 variant alleles.
Comment: PS3, PM3_S, PP3, PP4

Labcorp Genetics (formerly Invitae), Labcorp
Classification: Pathogenic for Biotinidase deficiency. Last evaluated: 2026-02-04. Review status: criteria provided, single submitter. Criteria: Invitae Variant Classification Sherloc (09022015). Collection method: clinical testing. Allele origin: germline.
Comment: This sequence change replaces aspartic acid, which is acidic and polar, with histidine, which is basic and polar, at codon 444 of the BTD protein (p.Asp444His). This variant is present in population databases (rs13078881, gnomAD 6%), and has an allele count higher than expected for a pathogenic variant. In the homozygous state this variant does not cause biotinidase deficiency or partial biotinidase deficiency (PMID: 28682309, 9654207). However, this variant in conjunction with another pathogenic variant is a common cause of partial biotinidase deficiency (PMID: 10206677, 9654207, 12227467, 23644139). This variant has also been observed in individuals affected with profound biotinidase deficiency when this variant is in cis with the p.A171T variant and in trans with a third variant (PMID: 10206677, 9654207). In individuals affected with partial biotinidase deficiency who harbor this variant in combination with another BTD variant, serum biotinidase activity was approximately 24% of the mean normal control activity (PMID: 9654207). In individuals affected with profound biotinidase deficiency who harbor this variant in cis with p.A171T and in trans with another BTD variant, serum biotinidase activity was <10% of the mean normal control activity (PMID: 10206677, 9654207). Individuals who are homozygous for this variant typically have an enzyme activity that is approximately 50% of normal (PMID: 20539236, 28682309, 9654207), similar to what is seen for a carrier of a profound allele. ClinVar contains an entry for this variant (Variation ID: 1900). Invitae Evidence Modeling of protein sequence and biophysical properties (such as structural, functional, and spatial information, amino acid conservation, physicochemical variation, residue mobility, and thermodynamic stability) indicates that this missense variant is expected to disrupt BTD protein function with a positive predictive value of 95%. For these reasons, this variant has been classified as Pathogenic.

Genetics Laboratory, Great Ormond Street Hospital NHS Foundation Trust, North Thames Genomic Laboratory Hub
Classification: Likely pathogenic for Fetal anomalies with a likely genetic cause. Last evaluated: 2026-02-02. Review status: criteria provided, single submitter. Criteria: ACGS Best Practice Guidelines for Variant Classification in Rare Disease 2024 v1.2. Collection method: clinical testing. Allele origin: germline. Affected: yes.
Comment: PS4_moderate, PP3_supporting, PM5_supporting, PS3_supporting, PP4_moderate

3billion
Classification: Pathogenic for Biotinidase deficiency. Last evaluated: 2025-10-28. Review status: criteria provided, single submitter. Criteria: ACMG Guidelines, 2015. Collection method: clinical testing. Allele origin: germline. Affected: yes.
Comment: The variant is observed in the gnomAD v4.1.0 dataset (total allele frequency: 3.810%). Predicted Consequence/Location: Missense variant Functional studies provide strong evidence of the variant having a damaging effect on the gene or gene product (PMID: 10206677, 9654207). In silico tool predictions suggest damaging effect of the variant on gene or gene product [REVEL: 0.77 (>=0.6, sensitivity 0.68 and specificity 0.92); 3Cnet: 0.88 (> 0.75, sensitivity 0.96 and precision 0.92)]. The same nucleotide change resulting in the same amino acid change has been previously reported as pathogenic/likely pathogenic with strong evidence (ClinVar ID: VCV000001900 /PMID: 10206677 /3billion dataset). The variant has been reported to be in trans with a pathogenic variant as either compound heterozygous or homozygous in at least 4 similarly affected unrelated individuals (PMID: 9654207). Different missense changes at the same codon (p.Asp424Gly, p.Asp424Tyr) have been reported as pathogenic/likely pathogenic with strong evidence (ClinVar ID: VCV001358756, VCV003588707 /PMID: 33312878). Therefore, this variant is classified as Pathogenic according to the recommendation of ACMG/AMP guideline.

Natera, Inc.
Classification: Pathogenic for Biotinidase deficiency. Last evaluated: 2025-10-20. Review status: criteria provided, single submitter. Criteria: Natera Variant Classification Schema (03/2026). Collection method: clinical testing. Allele origin: germline.
Comment: The c.1270G>C variant in BTD is a missense variant predicted to cause substitution of aspartic acid to histidine at amino acid 444. This variant impairs but does not entirely destroy the function of the gene product, and thus may not cause disease when observed in homozygous state. This is a mild variant and is not expected to result in a disease phenotype when homozygous, unless present as part of a complex allele. If found in trans (on opposite chromosomes) with a severe pathogenic variant, the individual is expected to develop partial biotinidase deficiency (PMID: 9654207, 10206677, 12227467, 23644139, 25174816, 26810761, 29353266). Given the available evidence, this variant is classified as Pathogenic.

NM_001370658.1(BTD):c.1270G>C (p.Asp424His)

Gene: BTD (biotinidase; plus strand). Cytogenetic location: 3p25.1.
Variant type: single nucleotide variant.
Coding change: c.1270G>C on transcript NM_001370658.1 (MANE Select); coding-DNA position 1270, G replaced by C.
Protein change: p.Asp424His; replaces aspartic acid 424 with histidine.
Molecular consequence: missense variant. On other transcripts: intron variant (2).
Genome position (GRCh38, 1-based): chr3:15,645,186, G>C. VCF-style: chr3-15645186-G-C. GRCh37 (hg19) VCF-style: chr3-15686693-G-C.
Other names: D444H; p.D444H:GAT>CAT; p.Asp424His; c.1270G>C, p.Asp424His (NM_001407365.1, NM_001407366.1, NM_001407367.1 and 16 more transcripts); c.1015+255G>C (NM_001370752.1); c.399+3129G>C (NM_001370753.1); c.1330G>C, p.Asp444His (NM_000060.4); short protein forms D424H.
Identifiers: ClinVar variation 1900 (VCV000001900.126), dbSNP rs13078881, ClinGen allele CA090886.